The following is an entry in ClinVar:

ClinVar aggregate classification (germline): Uncertain significance. Review status: criteria provided, multiple submitters, no conflicts (2 of 4 stars). 4 submissions from 4 submitters: Uncertain significance (4). Last evaluated 2024-08-01.

Conditions:
MYH7-related skeletal myopathy. Also called: Laing distal myopathy; Laing early-onset distal myopathy; Myopathy, distal, 1; MYOPATHY, DISTAL, EARLY-ONSET, AUTOSOMAL DOMINANT; MYOPATHY, LATE DISTAL HEREDITARY. Identifiers: Orphanet 59135, MedGen C4552004, MONDO:0008050, OMIM 160500.
Myopathy, myosin storage, autosomal recessive (CMYO7B). Also called: CONGENITAL MYOPATHY 7B, MYOSIN STORAGE, AUTOSOMAL RECESSIVE. Identifiers: Orphanet 636970, MedGen C1850709, MONDO:0009708, OMIM 255160.
Hypertrophic cardiomyopathy 1 (CMH1). Also called: Familial hypertrophic cardiomyopathy 1; MYH7-Related Familial Hypertrophic Cardiomyopathy. Identifiers: MedGen C3495498, MONDO:0008647, OMIM 192600.
Myosin storage myopathy (CMYO7A). Also called: MYH7-related late-onset scapuloperoneal muscular dystrophy; Congenital myopathy 7A, myosin storage, autosomal dominant; MYOPATHY, HYALINE BODY, AUTOSOMAL DOMINANT; MYOPATHY WITH LYSIS OF TYPE I MYOFIBRILS; SCAPULOPERONEAL MUSCULAR DYSTROPHY; SCAPULOPERONEAL SYNDROME, MYOPATHIC TYPE. Identifiers: Orphanet 437572, Orphanet 636965, MedGen C1842160, MONDO:0008409, OMIM 608358.
Dilated cardiomyopathy 1S (CMD1S). Identifiers: Orphanet 154, Orphanet 54260, MedGen C1834481, MONDO:0013262, OMIM 613426.
Congenital myopathy with fiber type disproportion. Also called: Congenital fiber-type disproportion myopathy; Congenital fiber-type disproportion. Identifiers: Orphanet 2020, MedGen C0546264, MONDO:0009711. Inheritance: all.
Cardiomyopathy (CMYO). Also called: Cardiomyopathies. Identifiers: Orphanet 167848, MedGen C0878544, MONDO:0004994, HP:0001638. Inheritance: Various modes of inheritance.
Hypertrophic cardiomyopathy. Also called: HYPERTROPHIC MYOCARDIOPATHY. Identifiers: Orphanet 217569, MedGen C0007194, MeSH D002312, MONDO:0005045, HP:0001639.

Allele frequency attached by ClinVar (database versions not stated): gnomAD exomes below 0.00001; TOPMed below 0.00001.
gnomAD v4.1: 1 of 1,614,138 alleles (0.000062%); highest among the groups gnomAD compares: Non-Finnish European, 0.000085%; no homozygotes.

Submissions (4):

Labcorp Genetics (formerly Invitae), Labcorp
Classification: Uncertain significance for Hypertrophic cardiomyopathy. Last evaluated: 2024-08-01. Review status: criteria provided, single submitter. Criteria: Invitae Variant Classification Sherloc (09022015). Collection method: clinical testing. Allele origin: germline.
Comment: This sequence change falls in intron 34 of the MYH7 gene. It does not directly change the encoded amino acid sequence of the MYH7 protein. It affects a nucleotide within the consensus splice site. This variant is not present in population databases (gnomAD no frequency). This variant has not been reported in the literature in individuals affected with MYH7-related conditions. ClinVar contains an entry for this variant (Variation ID: 927631). Variants that disrupt the consensus splice site are a relatively common cause of aberrant splicing (PMID: 17576681, 9536098). Algorithms developed to predict the effect of sequence changes on RNA splicing suggest that this variant is not likely to affect RNA splicing. In summary, the available evidence is currently insufficient to determine the role of this variant in disease. Therefore, it has been classified as a Variant of Uncertain Significance.

All of Us Research Program, National Institutes of Health
Classification: Uncertain significance for Cardiomyopathy. Last evaluated: 2023-08-15. Review status: criteria provided, single submitter. Criteria: ACMG Guidelines, 2015. Collection method: clinical testing. Allele origin: germline. Inheritance: Autosomal dominant inheritance. Observed: 2 variant alleles, 2 heterozygotes.
Comment: This variant causes a C to T nucleotide substitution at the +4 position of intron 34 of the MYH7 gene. To our knowledge, functional studies have not been reported for this variant. This variant has not been reported in individuals affected with MYH7-related disorders in the literature. This variant has not been identified in the general population by the Genome Aggregation Database (gnomAD). The available evidence is insufficient to determine the role of this variant in disease conclusively. Therefore, this variant is classified as a Variant of Uncertain Significance.

This study involves interpretation of variants in research participants for the purpose of population health screening. Participant phenotype was not available at the time of variant classification. Additional details can be found in publication PMID: 35346344, PMCID: PMC8962531

Color Diagnostics, LLC DBA Color Health
Classification: Uncertain significance for Cardiomyopathy. Last evaluated: 2023-02-27. Review status: criteria provided, single submitter. Criteria: ACMG Guidelines, 2015. Collection method: clinical testing. Allele origin: germline.
Comment: This variant causes a C to T nucleotide substitution at the +4 position of intron 34 of the MYH7 gene. To our knowledge, functional studies have not been reported for this variant. This variant has not been reported in individuals affected with MYH7-related disorders in the literature. This variant has not been identified in the general population by the Genome Aggregation Database (gnomAD). The available evidence is insufficient to determine the role of this variant in disease conclusively. Therefore, this variant is classified as a Variant of Uncertain Significance.

Fulgent Genetics
Classification: Uncertain significance for MYH7-related skeletal myopathy; Myosin storage myopathy; Hypertrophic cardiomyopathy 1; Myopathy, myosin storage, autosomal recessive; Congenital myopathy 4A, autosomal dominant; Dilated cardiomyopathy 1S. Last evaluated: 2021-07-26. Review status: criteria provided, single submitter. Criteria: ACMG Guidelines, 2015. Collection method: clinical testing. Allele origin: unknown.

Literature cited by the submitters: PubMed 17576681 (cited by Labcorp Genetics (formerly Invitae), Labcorp); PubMed 9536098 (cited by Labcorp Genetics (formerly Invitae), Labcorp).

NM_000257.4(MYH7):c.4953+4C>T

Genes: MYH7 (myosin heavy chain 7; minus strand), MHRT (myosin heavy chain associated RNA transcript; plus strand), LOC126861897 (BRD4-independent group 4 enhancer GRCh37_chr14:23884455-23885654; plus strand). Cytogenetic location: 14q11.2.
Variant type: single nucleotide variant.
Coding change: c.4953+4C>T on transcript NM_000257.4 (MANE Select); 4 bases into the intron after coding-DNA position 4953, C replaced by T.
Molecular consequence: intron variant.
Genome position (GRCh38, 1-based): chr14:23,416,000, G>A on the plus strand (C>T on the coding strand, the complement: MYH7 is on the minus strand). VCF-style: chr14-23416000-G-A. GRCh37 (hg19) VCF-style: chr14-23885209-G-A.
Identifiers: ClinVar variation 927631 (VCV000927631.8), dbSNP rs933520031, ClinGen allele CA257810371.